The following is an entry in ClinVar:

NM_000179.3(MSH6):c.3359_3360del (p.Glu1120fs)

Gene: MSH6 (mutS homolog 6; plus strand). Cytogenetic location: 2p16.3.
Variant type: Microsatellite.
Coding change: c.3359_3360del on transcript NM_000179.3 (MANE Select); coding-DNA positions 3359 to 3360, 2 bases deleted (AG; older notation c.3359_3360delAG).
Protein change: p.Glu1120fs; shifts the reading frame from glutamic acid 1120.
Molecular consequence: frameshift variant. On other transcripts: non-coding transcript variant (5).
Genome position (GRCh38, 1-based): chr2:47,803,606-47,803,607, AG deleted; deleting any 2 consecutive bases within chr2:47,803,604-47,803,607 gives the same sequence; the c. name uses the placement nearest the transcript's 3' end. VCF-style (leftmost placement, unchanged base first): chr2-47803603-AAG-A. GRCh37 (hg19) VCF-style: chr2-48030742-AAG-A.
Other names: c.3359_3360delAG (NM_000179.2); c.3357_3358AG[1], p.Glu1120Glyfs (NM_000179.2); c.2969_2970del, p.Glu990fs (NM_001281492.2); c.2453_2454del, p.Glu818fs (NM_001281493.2, NM_001281494.2, NM_001406811.1 and 6 more transcripts); c.3455_3456del, p.Glu1152fs (NM_001406795.1, NM_001406802.1); c.3359_3360del, p.Glu1120fs (NM_001406796.1, NM_001406800.1, NM_001406808.1 and 1 more transcripts); c.3062_3063del, p.Glu1021fs (NM_001406797.1, NM_001406801.1, NM_001406805.1 and 10 more transcripts); c.3185_3186del, p.Glu1062fs (NM_001406798.1); and 9 more; short protein forms E1152fs, E47fs, E1120fs, E598fs, E69fs, E990fs, E1064fs, E1094fs.
Identifiers: ClinVar variation 3913752 (VCV003913752.1).

ClinVar aggregate classification (germline): Pathogenic (1 of 4 stars; one submission).

Conditions:
Hereditary cancer-predisposing syndrome. Also called: Hereditary Cancer Syndrome; Hereditary neoplastic syndrome; Neoplastic Syndromes, Hereditary; Tumor predisposition. Identifiers: Orphanet 140162, MedGen C0027672, MeSH D009386, MONDO:0015356.

Submission:

Ambry Genetics
Classification: Pathogenic for Hereditary cancer-predisposing syndrome. Last evaluated: 2025-05-19. Review status: criteria provided, single submitter. Criteria: Ambry Variant Classification Scheme 2023. Collection method: clinical testing. Allele origin: germline.
Comment: The c.3359_3360delAG pathogenic mutation, located in coding exon 5 of the MSH6 gene, results from a deletion of two nucleotides at nucleotide positions 3359 to 3360, causing a translational frameshift with a predicted alternate stop codon (p.E1120Gfs*43). This variant is considered to be rare based on population cohorts in the Genome Aggregation Database (gnomAD). This alteration is expected to result in loss of function by premature protein truncation or nonsense-mediated mRNA decay. As such, this alteration is interpreted as a disease-causing mutation.